The following is an entry in ClinVar:

ClinVar aggregate classification (germline): Uncertain significance (1 of 4 stars; one submission).

gnomAD v4.1: 6 of 1,613,502 alleles (0.00037%); highest among the groups gnomAD compares: Non-Finnish European, 0.00051%; no homozygotes.

Submission:

GeneDx
Classification: Uncertain significance. Last evaluated: 2023-12-10. Review status: criteria provided, single submitter. Criteria: GeneDx Variant Classification Process June 2021. Collection method: clinical testing. Allele origin: germline. Affected: yes.
Comment: Not observed at significant frequency in large population cohorts (gnomAD); In silico analysis supports that this missense variant does not alter protein structure/function; Has not been previously published as pathogenic or benign to our knowledge

NM_025137.4(SPG11):c.2195A>G (p.Asn732Ser)

Gene: SPG11 (SPG11 vesicle trafficking associated, spatacsin; minus strand). Cytogenetic location: 15q21.1.
Variant type: single nucleotide variant.
Coding change: c.2195A>G on transcript NM_025137.4 (MANE Select); coding-DNA position 2195, A replaced by G.
Protein change: p.Asn732Ser; replaces asparagine 732 with serine.
Molecular consequence: missense variant.
Genome position (GRCh38, 1-based): chr15:44,626,380, T>C on the plus strand (A>G on the coding strand, the complement: SPG11 is on the minus strand). VCF-style: chr15-44626380-T-C. GRCh37 (hg19) VCF-style: chr15-44918578-T-C.
Other names: c.2195A>G, p.Asn732Ser (NM_001160227.2, NM_001411132.1); short protein forms N732S.
Identifiers: ClinVar variation 3365366 (VCV003365366.1).